The following is an entry in ClinVar:

NM_000059.4(BRCA2):c.7583G>A (p.Gly2528Glu)

Gene: BRCA2 (BRCA2 DNA repair associated; plus strand). Cytogenetic location: 13q13.1.
Variant type: single nucleotide variant.
Coding change: c.7583G>A on transcript NM_000059.4 (MANE Select); coding-DNA position 7583, G replaced by A.
Protein change: p.Gly2528Glu; replaces glycine 2528 with glutamic acid.
Molecular consequence: missense variant.
Genome position (GRCh38, 1-based): chr13:32,356,575, G>A. VCF-style: chr13-32356575-G-A. GRCh37 (hg19) VCF-style: chr13-32930712-G-A.
Other names: short protein forms G2528E.
Identifiers: ClinVar variation 52358 (VCV000052358.12), dbSNP rs80358986, ClinGen allele CA025162.

ClinVar aggregate classification (germline): Conflicting classifications of pathogenicity. Review status: criteria provided, conflicting classifications (1 of 4 stars). 5 submissions from 5 submitters: Uncertain significance (3); Likely benign (1). 1 of the submissions does not count toward it. Last evaluated 2025-08-05.

Conditions:
Hereditary breast ovarian cancer syndrome. Also called: Hereditary breast and ovarian cancer syndrome; Hereditary breast and ovarian cancer; Hereditary breast and ovarian cancer syndrome (HBOC); Breast and ovarian cancer; Hereditary breast and/or ovarian cancer syndrome; BRCA1- and BRCA2-Associated Hereditary Breast and Ovarian Cancer. Identifiers: Orphanet 145, MedGen C0677776, MeSH D061325, MONDO:0003582. Disease mechanism: loss of function.
Hereditary cancer-predisposing syndrome. Also called: Neoplastic Syndromes, Hereditary; Tumor predisposition; Hereditary neoplastic syndrome; Hereditary Cancer Syndrome. Identifiers: Orphanet 140162, MedGen C0027672, MeSH D009386, MONDO:0015356.
Breast-ovarian cancer, familial, susceptibility to, 2 (BROVCA2). Also called: BRCA2 Hereditary Breast and Ovarian Cancer. Identifiers: Orphanet 145, MedGen C2675520, MONDO:0012933, OMIM 612555. Disease mechanism: loss of function.

Allele frequency attached by ClinVar (database versions not stated): gnomAD exomes below 0.00001.
gnomAD v4.1: 1 of 1,614,190 alleles (0.000062%); highest among the groups gnomAD compares: Admixed American, 0.0017%; no homozygotes.

Submissions (5):

Quest Diagnostics Nichols Institute San Juan Capistrano
Classification: Uncertain significance. Last evaluated: 2025-08-05. Review status: criteria provided, single submitter. Criteria: Quest Diagnostics criteria. Collection method: clinical testing. Allele origin: unknown.
Comment: The BRCA2 c.7583G>A (p.Gly2528Glu) variant has been reported in the published literature to be located in a region of the BRCA2 gene that is tolerant to missense changes (PMID: 31911673 (2020)). To the best of our knowledge, this variant has not been reported in individuals with BRCA2-related disorders. Functional studies demonstrated that this variant was not damaging to BRCA2 protein function (PMID: 39779848 (2025), 39779857 (2025)). The frequency of this variant in the general population (Genome Aggregation Database) is uninformative in the assessment of its pathogenicity. Analysis of this variant using bioinformatics tools for the prediction of the effect of amino acid changes on protein structure and function yielded predictions that this variant is benign. Based on the available information, we are unable to determine the clinical significance of this variant.

Color Diagnostics, LLC DBA Color Health
Classification: Uncertain significance for Hereditary cancer-predisposing syndrome. Last evaluated: 2025-07-21. Review status: criteria provided, single submitter. Criteria: ACMG Guidelines, 2015. Collection method: clinical testing. Allele origin: germline.
Comment: This missense variant replaces glycine with glutamic acid at codon 2528 of the BRCA2 protein. Computational prediction suggests that this variant may not impact protein structure and function. To our knowledge, functional studies have not been reported for this variant. This variant has not been reported in individuals affected with BRCA2-related disorders in the literature. This variant has been identified in 1/251022 chromosomes in the general population by the Genome Aggregation Database (gnomAD). The available evidence is insufficient to determine the role of this variant in disease conclusively. Therefore, this variant is classified as a Variant of Uncertain Significance.

Labcorp Genetics (formerly Invitae), Labcorp
Classification: Uncertain significance for Hereditary breast ovarian cancer syndrome. Last evaluated: 2024-01-16. Review status: criteria provided, single submitter. Criteria: Invitae Variant Classification Sherloc (09022015). Collection method: clinical testing. Allele origin: germline.
Comment: This sequence change replaces glycine, which is neutral and non-polar, with glutamic acid, which is acidic and polar, at codon 2528 of the BRCA2 protein (p.Gly2528Glu). This variant is present in population databases (rs80358986, gnomAD 0.003%). This variant has not been reported in the literature in individuals affected with BRCA2-related conditions. ClinVar contains an entry for this variant (Variation ID: 52358). Advanced modeling of protein sequence and biophysical properties (such as structural, functional, and spatial information, amino acid conservation, physicochemical variation, residue mobility, and thermodynamic stability) performed at Invitae indicates that this missense variant is not expected to disrupt BRCA2 protein function with a negative predictive value of 95%. In summary, the available evidence is currently insufficient to determine the role of this variant in disease. Therefore, it has been classified as a Variant of Uncertain Significance.

Ambry Genetics
Classification: Likely benign for Hereditary cancer-predisposing syndrome. Last evaluated: 2023-12-15. Review status: criteria provided, single submitter. Criteria: Ambry Variant Classification Scheme 2023. Collection method: clinical testing. Allele origin: germline.

Breast Cancer Information Core (BIC) (BRCA2)
Classification: Uncertain significance for Breast-ovarian cancer, familial 2. Last evaluated: 2003-10-29. Review status: no assertion criteria provided. Collection method: clinical testing. Allele origin: unknown. Affected: yes. Observed: 1 variant allele. Not counted in ClinVar's aggregate classification.

Literature cited by the submitters: PubMed 19043619 (cited by Quest Diagnostics Nichols Institute San Juan Capistrano); PubMed 31911673 (cited by Quest Diagnostics Nichols Institute San Juan Capistrano); PubMed 39779848 (cited by Quest Diagnostics Nichols Institute San Juan Capistrano); PubMed 39779857 (cited by Quest Diagnostics Nichols Institute San Juan Capistrano).